The following is an entry in ClinVar:

ClinVar aggregate classification (germline): Likely pathogenic (1 of 4 stars; one submission).

Conditions:
Multiple congenital anomalies-hypotonia-seizures syndrome 1 (MCAHS1). Also called: GLYCOSYLPHOSPHATIDYLINOSITOL BIOSYNTHESIS DEFECT 3; PIGN-CDG; Congenital disorder of glycosylation due to PIGN deficiency. Identifiers: Orphanet 280633, MedGen C3279775, MONDO:0013563, OMIM 614080.

Allele frequency attached by ClinVar (database versions not stated): ExAC 0.00001; gnomAD 0.00001; TOPMed 0.00001.
gnomAD v4.1: 5 of 1,592,506 alleles (0.00031%); highest among the groups gnomAD compares: Admixed American, 0.0017%; no homozygotes.

Submission:

Labcorp Genetics (formerly Invitae), Labcorp
Classification: Likely pathogenic for Multiple congenital anomalies-hypotonia-seizures syndrome 1. Last evaluated: 2023-11-25. Review status: criteria provided, single submitter. Criteria: Invitae Variant Classification Sherloc (09022015). Collection method: clinical testing. Allele origin: germline.
Comment: This sequence change affects an acceptor splice site in intron 8 of the PIGN gene. It is expected to disrupt RNA splicing. Variants that disrupt the donor or acceptor splice site typically lead to a loss of protein function (PMID: 16199547), and loss-of-function variants in PIGN are known to be pathogenic (PMID: 24253414, 27038415). The frequency data for this variant in the population databases is considered unreliable, as metrics indicate poor data quality at this position in the gnomAD database. Disruption of this splice site has been observed in individual(s) with clinical features of multiple congenital anomalies-hypotonia-seizures syndrome (PMID: 25590979, 34958143). Algorithms developed to predict the effect of sequence changes on RNA splicing suggest that this variant may disrupt the consensus splice site. In summary, the currently available evidence indicates that the variant is pathogenic, but additional data are needed to prove that conclusively. Therefore, this variant has been classified as Likely Pathogenic.

Literature cited by the submitters: PubMed 16199547; PubMed 24253414; PubMed 27038415; PubMed 25590979; PubMed 34958143.

NM_176787.5(PIGN):c.675-1G>C

Gene: PIGN (phosphatidylinositol glycan anchor biosynthesis class N; minus strand). Cytogenetic location: 18q21.33.
Variant type: single nucleotide variant.
Coding change: c.675-1G>C on transcript NM_176787.5 (MANE Select); the canonical splice acceptor site of the intron before coding-DNA position 675, G replaced by C.
Molecular consequence: splice acceptor variant.
Genome position (GRCh38, 1-based): chr18:62,147,102, C>G on the plus strand (G>C on the coding strand, the complement: PIGN is on the minus strand). VCF-style: chr18-62147102-C-G. GRCh37 (hg19) VCF-style: chr18-59814335-C-G.
Other names: c.675-1G>C (NM_012327.6).
Identifiers: ClinVar variation 2862041 (VCV002862041.3), dbSNP rs766732875, ClinGen allele CA8982528.